The following is an entry in ClinVar:

NM_001142800.2(EYS):c.1961dup (p.Asn654fs)

Gene: EYS (EGF-like photoreceptor maintenance factor; minus strand). Cytogenetic location: 6q12.
Variant type: Duplication.
Coding change: c.1961dup on transcript NM_001142800.2 (MANE Select); coding-DNA position 1961, one base duplicated (A; older notation c.1961dupA).
Protein change: p.Asn654fs; shifts the reading frame from asparagine 654.
Molecular consequence: frameshift variant.
Genome position (GRCh38, 1-based): chr6:65,295,925, T duplicated on the plus strand (A on the coding strand, the reverse complement: EYS is on the minus strand); the first of 5 consecutive T bases (chr6:65,295,925-65,295,929); duplicating any one gives the same sequence. VCF-style (leftmost placement, unchanged base first): chr6-65295924-A-AT. GRCh37 (hg19) VCF-style: chr6-66005817-A-AT.
Other names: c.1961dup (NM_001142800.1); c.1961dup, p.Asn654fs (NM_001292009.2); c.1961dupA (NM_001142800.1); short protein forms N654fs.
Identifiers: ClinVar variation 812318 (VCV000812318.12), dbSNP rs749103801, ClinGen allele CA3877358.

ClinVar aggregate classification (germline): Pathogenic/Likely pathogenic. Review status: criteria provided, multiple submitters, no conflicts (2 of 4 stars). 6 submissions from 6 submitters: Pathogenic (3); Likely pathogenic (2). 1 of the submissions does not count toward it. Last evaluated 2025-07-03.

Conditions:
EYS-related disorder. Also called: EYS-related condition.
Retinitis pigmentosa 25 (RP25). Identifiers: Orphanet 791, MedGen C1864446, MONDO:0011272, OMIM 602772.
Retinitis pigmentosa (RP). Identifiers: Orphanet 791, MedGen C0035334, MeSH D012174, MONDO:0019200, OMIM 268000. Inheritance: Autosomal dominant, autosomal recessive and X linked inheritance.

Submissions (6):

Labcorp Genetics (formerly Invitae), Labcorp
Classification: Pathogenic. Last evaluated: 2025-07-03. Review status: criteria provided, single submitter. Criteria: Invitae Variant Classification Sherloc (09022015). Collection method: clinical testing. Allele origin: germline.
Comment: This sequence change creates a premature translational stop signal (p.Asn654Lysfs*5) in the EYS gene. It is expected to result in an absent or disrupted protein product. Loss-of-function variants in EYS are known to be pathogenic (PMID: 18836446, 20333770). This variant is present in population databases (rs749103801, gnomAD 0.006%). This premature translational stop signal has been observed in individual(s) with retinitis pigmentosa (PMID: 29550188). This variant is also known as c.1961_1962insA. ClinVar contains an entry for this variant (Variation ID: 812318). For these reasons, this variant has been classified as Pathogenic.

PreventionGenetics, part of Exact Sciences
Classification: Likely pathogenic for EYS-related condition. Last evaluated: 2025-04-24. Review status: criteria provided, single submitter. Criteria: ACMG Guidelines, 2015. Collection method: clinical testing. Allele origin: germline.
Comment: The EYS c.1961dupA variant is predicted to result in a frameshift and premature protein termination (p.Asn654Lysfs*5). This variant has been reported in an individual with retinitis pigmentosa (Sengillo et al. 2018. PubMed ID: 29550188). This variant is present in 0.0060% of alleles in individuals of African descent in gnomAD. Frameshift variants in EYS are an established mechanism of disease. This variant is interpreted as likely pathogenic.

Natera, Inc.
Classification: Pathogenic for Retinitis pigmentosa type 25. Last evaluated: 2025-01-02. Review status: criteria provided, single submitter. Criteria: Natera Variant Classification Schema (03/2026). Collection method: clinical testing. Allele origin: germline.
Comment: The c.1961dup variant in EYS is a frameshift variant predicted to shift the reading frame beginning at codon 654 and leads to a stop codon 5 codons downstream. This variant is expected to result in nonsense mediated decay, truncation, or a dysfunctional protein product. This variant is rare in the general population with a frequency below the threshold expected for the associated phenotype(s). This variant has been observed in one or more individuals affected with the associated recessive disease, as either homozygous or compound heterozygous with a second variant (PMID: 29550188). Given the available evidence, this variant is classified as Pathogenic.

Baylor Genetics
Classification: Pathogenic for Retinitis pigmentosa 25. Last evaluated: 2024-03-11. Review status: criteria provided, single submitter. Criteria: ACMG Guidelines, 2015. Collection method: clinical testing. Allele origin: unknown.

Fulgent Genetics
Classification: Likely pathogenic for Retinitis pigmentosa 25. Last evaluated: 2024-01-29. Review status: criteria provided, single submitter. Criteria: ACMG Guidelines, 2015. Collection method: clinical testing. Allele origin: germline.

Sharon lab, Hadassah-Hebrew University Medical Center
Classification: Pathogenic for Retinitis pigmentosa. Last evaluated: 2019-06-23. Review status: no assertion criteria provided. Collection method: research. Allele origin: inherited. Affected: yes. Not counted in ClinVar's aggregate classification.

Literature cited by the submitters: PubMed 18836446 (cited by Labcorp Genetics (formerly Invitae), Labcorp); PubMed 20333770 (cited by Labcorp Genetics (formerly Invitae), Labcorp); PubMed 29550188 (cited by Labcorp Genetics (formerly Invitae), Labcorp and Natera, Inc.).